The following is an entry in ClinVar:

ClinVar aggregate classification (germline): Likely benign (0 of 4 stars; one submission).

Conditions:
SHANK3-related disorder. Also called: SHANK3-related condition.

Allele frequency attached by ClinVar (database versions not stated): gnomAD exomes below 0.00001; TOPMed 0.00001.

Submission:

PreventionGenetics, part of Exact Sciences
Classification: Likely benign for SHANK3-related condition. Last evaluated: 2022-03-16. Review status: no assertion criteria provided. Collection method: clinical testing. Allele origin: germline.
Comment: This variant is classified as likely benign based on ACMG/AMP sequence variant interpretation guidelines (Richards et al. 2015 PMID: 25741868, with internal and published modifications).

NM_001372044.2(SHANK3):c.714G>A (p.Thr238=)

Gene: SHANK3 (SH3 and multiple ankyrin repeat domains 3; plus strand). Cytogenetic location: 22q13.33.
Variant type: single nucleotide variant.
Coding change: c.714G>A on transcript NM_001372044.2 (MANE Select); coding-DNA position 714, G replaced by A.
Protein change: p.Thr238=; no amino-acid change (threonine 238 retained).
Molecular consequence: synonymous variant.
Genome position (GRCh38, 1-based): chr22:50,678,809, G>A. VCF-style: chr22-50678809-G-A. GRCh37 (hg19) VCF-style: chr22-51117237-G-A.
Other names: c.489G>A, p.Thr163= (NM_033517.1).
Identifiers: ClinVar variation 3036892 (VCV003036892.2), dbSNP rs891186109, ClinGen allele CA325560183.